The following is an entry in ClinVar:

NM_080669.6(SLC46A1):c.991G>A (p.Asp331Asn)

Gene: SLC46A1 (solute carrier family 46 member 1; minus strand). Cytogenetic location: 17q11.2.
Variant type: single nucleotide variant.
Coding change: c.991G>A on transcript NM_080669.6 (MANE Select); coding-DNA position 991, G replaced by A.
Protein change: p.Asp331Asn; replaces aspartic acid 331 with asparagine.
Molecular consequence: missense variant.
Genome position (GRCh38, 1-based): chr17:28,404,706, C>T on the plus strand (G>A on the coding strand, the complement: SLC46A1 is on the minus strand). VCF-style: chr17-28404706-C-T. GRCh37 (hg19) VCF-style: chr17-26731724-C-T.
Other names: c.991G>A, p.Asp331Asn (NM_001242366.3); short protein forms D331N.
Identifiers: ClinVar variation 2416801 (VCV002416801.5), dbSNP rs782398051, ClinGen allele CA8458246.

ClinVar aggregate classification (germline): Uncertain significance (1 of 4 stars; one submission).

Allele frequency attached by ClinVar (database versions not stated): ExAC 0.00001; gnomAD 0.00001.
gnomAD v4.1: 9 of 1,613,838 alleles (0.00056%); highest among the groups gnomAD compares: East Asian, 0.0045%; no homozygotes.

Submission:

Labcorp Genetics (formerly Invitae), Labcorp
Classification: Uncertain significance. Last evaluated: 2022-02-12. Review status: criteria provided, single submitter. Criteria: Invitae Variant Classification Sherloc (09022015). Collection method: clinical testing. Allele origin: germline.
Comment: In summary, the available evidence is currently insufficient to determine the role of this variant in disease. Therefore, it has been classified as a Variant of Uncertain Significance. Experimental studies are conflicting or provide insufficient evidence to determine the effect of this variant on SLC46A1 function (PMID: 20805364). Algorithms developed to predict the effect of variants on protein structure and function are not available or were not evaluated for this variant. This variant has not been reported in the literature in individuals affected with SLC46A1-related conditions. The frequency data for this variant in the population databases is considered unreliable, as metrics indicate poor data quality at this position in the gnomAD database. This sequence change replaces aspartic acid, which is acidic and polar, with asparagine, which is neutral and polar, at codon 331 of the SLC46A1 protein (p.Asp331Asn).

Literature cited by the submitters: PubMed 20805364.